The following is an entry in ClinVar:

NM_000155.3(GALT):c.-837delT

Gene: GALT (galactose-1-phosphate uridylyltransferase; plus strand). Cytogenetic location: 9p13.3.
Variant type: Deletion.
Coding change: c.-837delT on transcript NM_000155.3; 837 bases upstream of the start codon, one base deleted (T).
Genome position (GRCh38, 1-based): chr9:34,645,868, T deleted; the last of 20 consecutive T bases (chr9:34,645,849-34,645,868); deleting any one gives the same sequence. VCF-style (leftmost placement, unchanged base first): chr9-34645848-AT-A. GRCh37 (hg19) VCF-style: chr9-34645845-AT-A.
Identifiers: ClinVar variation 1331425 (VCV001331425.3), dbSNP rs549043849, ClinGen allele CA192666532.

ClinVar aggregate classification (germline): Benign (1 of 4 stars; one submission).

Submission:

Women's Health and Genetics/Laboratory Corporation of America, LabCorp
Classification: Benign. Last evaluated: 2021-12-16. Review status: criteria provided, single submitter. Criteria: LabCorp Variant Classification Summary - May 2015. Collection method: clinical testing. Allele origin: germline.
Comment: Variant summary: GALT c.-837delT is located in the untranscribed region upstream of the GALT gene region. The variant allele was found at a frequency of 0.0094 in 124506 control chromosomes, predominantly at a frequency of 0.03 within the African or African-American subpopulation in the gnomAD database, including 19 homozygotes. The observed variant frequency within African or African-American control individuals in the gnomAD database is approximately 10-fold of the estimated maximal expected allele frequency for a pathogenic variant in GALT causing Galactosemia phenotype (0.0029), strongly suggesting that the variant is a benign polymorphism found primarily in populations of African or African-American origin. To our knowledge, no occurrence of c.-837delT in individuals affected with Galactosemia and no experimental evidence demonstrating its impact on protein function have been reported. No clinical diagnostic laboratories have submitted clinical-significance assessments for this variant to ClinVar after 2014. Based on the evidence outlined above, the variant was classified as benign.